The following is an entry in ClinVar:

NM_001035.3(RYR2):c.8834G>A (p.Gly2945Asp)

Gene: RYR2 (ryanodine receptor 2; plus strand). Cytogenetic location: 1q43.
Variant type: single nucleotide variant.
Coding change: c.8834G>A on transcript NM_001035.3 (MANE Select); coding-DNA position 8834, G replaced by A.
Protein change: p.Gly2945Asp; replaces glycine 2945 with aspartic acid.
Molecular consequence: missense variant.
Genome position (GRCh38, 1-based): chr1:237,678,051, G>A. VCF-style: chr1-237678051-G-A. GRCh37 (hg19) VCF-style: chr1-237841351-G-A.
Other names: short protein forms G2945D.
Identifiers: ClinVar variation 3700151 (VCV003700151.2).

ClinVar aggregate classification (germline): Uncertain significance (1 of 4 stars; one submission).

Conditions:
Catecholaminergic polymorphic ventricular tachycardia 1. Also called: VENTRICULAR TACHYCARDIA, STRESS-INDUCED POLYMORPHIC 1; VENTRICULAR TACHYCARDIA, CATECHOLAMINERGIC POLYMORPHIC, 1, WITH OR WITHOUT ATRIAL DYSFUNCTION AND/OR DILATED CARDIOMYOPATHY; RYR2-Related Catecholaminergic Polymorphic Ventricular Tachycardia. Identifiers: Orphanet 3286, MedGen C1631597, MONDO:0011484, OMIM 604772.

Submission:

Labcorp Genetics (formerly Invitae), Labcorp
Classification: Uncertain significance for Catecholaminergic polymorphic ventricular tachycardia 1. Last evaluated: 2024-08-29. Review status: criteria provided, single submitter. Criteria: Invitae Variant Classification Sherloc (09022015). Collection method: clinical testing. Allele origin: germline.
Comment: This sequence change replaces glycine, which is neutral and non-polar, with aspartic acid, which is acidic and polar, at codon 2945 of the RYR2 protein (p.Gly2945Asp). This variant is not present in population databases (gnomAD no frequency). This variant has not been reported in the literature in individuals affected with RYR2-related conditions. Invitae Evidence Modeling of protein sequence and biophysical properties (such as structural, functional, and spatial information, amino acid conservation, physicochemical variation, residue mobility, and thermodynamic stability) indicates that this missense variant is not expected to disrupt RYR2 protein function with a negative predictive value of 95%. In summary, the available evidence is currently insufficient to determine the role of this variant in disease. Therefore, it has been classified as a Variant of Uncertain Significance.